The following is an entry in ClinVar:

NM_001146.5(ANGPT1):c.430_431del (p.Lys144fs)

Gene: ANGPT1 (angiopoietin 1; minus strand). Cytogenetic location: 8q23.1.
Variant type: Deletion.
Coding change: c.430_431del on transcript NM_001146.5 (MANE Select); coding-DNA positions 430 to 431, 2 bases deleted (AA; older notation c.430_431delAA).
Protein change: p.Lys144fs; shifts the reading frame from lysine 144.
Molecular consequence: frameshift variant.
Genome position (GRCh38, 1-based): chr8:107,346,964-107,346,965, TT deleted on the plus strand (AA on the coding strand, the reverse complement: ANGPT1 is on the minus strand); deleting any 2 consecutive bases within chr8:107,346,964-107,346,966 gives the same sequence; the c. name uses the placement nearest the transcript's 3' end. VCF-style (leftmost placement, unchanged base first): chr8-107346963-CTT-C. GRCh37 (hg19) VCF-style: chr8-108359191-CTT-C.
Other names: c.430_431del, p.Lys144fs (NM_001199859.3); short protein forms K144fs.
Identifiers: ClinVar variation 3680411 (VCV003680411.2).

ClinVar aggregate classification (germline): Uncertain significance (1 of 4 stars; one submission).

Submission:

Labcorp Genetics (formerly Invitae), Labcorp
Classification: Uncertain significance. Last evaluated: 2024-04-25. Review status: criteria provided, single submitter. Criteria: Invitae Variant Classification Sherloc (09022015). Collection method: clinical testing. Allele origin: germline.
Comment: This sequence change creates a premature translational stop signal (p.Lys144Alafs*5) in the ANGPT1 gene. It is expected to result in an absent or disrupted protein product. However, the current clinical and genetic evidence is not sufficient to establish whether loss-of-function variants in ANGPT1 cause disease. This variant is not present in population databases (gnomAD no frequency). This variant has not been reported in the literature in individuals affected with ANGPT1-related conditions. In summary, the available evidence is currently insufficient to determine the role of this variant in disease. Therefore, it has been classified as a Variant of Uncertain Significance.